The following is an entry in ClinVar:

NM_153676.4(USH1C):c.1146dup (p.Gln383fs)

Gene: USH1C (USH1 protein network component harmonin; minus strand). Cytogenetic location: 11p15.1.
Variant type: Duplication.
Coding change: c.1146dup on transcript NM_153676.4 (MANE Select); coding-DNA position 1146, one base duplicated (A; older notation c.1146dupA).
Protein change: p.Gln383fs; shifts the reading frame from glutamine 383.
Molecular consequence: frameshift variant. On other transcripts: non-coding transcript variant (1).
Genome position (GRCh38, 1-based): chr11:17,520,934, T duplicated on the plus strand (A on the coding strand, the reverse complement: USH1C is on the minus strand); the first of 2 consecutive T bases (chr11:17,520,934-17,520,935); duplicating either gives the same sequence. VCF-style (leftmost placement, unchanged base first): chr11-17520933-G-GT. GRCh37 (hg19) VCF-style: chr11-17542480-G-GT.
Other names: c.1089dup, p.Gln364fs (NM_001297764.2); c.1146dup, p.Gln383fs (NM_005709.4); c.1146dupA (NM_005709.3); c.1146dup (NM_005709.3); short protein forms Q364fs, Q383fs.
Identifiers: ClinVar variation 555436 (VCV000555436.11), dbSNP rs1554960388, ClinGen allele CA658822060.

ClinVar aggregate classification (germline): Pathogenic/Likely pathogenic. Review status: criteria provided, multiple submitters, no conflicts (2 of 4 stars). 5 submissions from 5 submitters: Pathogenic (3); Likely pathogenic (1). 1 of the submissions does not count toward it. Last evaluated 2025-04-28.

Conditions:
USH1C-related disorder. Also called: USH1C-related condition.
Autosomal recessive nonsyndromic hearing loss 18A. Also called: DEAFNESS, AUTOSOMAL RECESSIVE 18; Deafness, autosomal recessive 18A. Identifiers: Orphanet 90636, MedGen C1865870, MONDO:0011192, OMIM 602092.
Usher syndrome type 1C. Also called: USHER SYNDROME, TYPE I, ACADIAN VARIETY. Identifiers: Orphanet 231169, Orphanet 886, MedGen C1848604, MONDO:0010171, OMIM 276904.

Submissions (5):

Labcorp Genetics (formerly Invitae), Labcorp
Classification: Pathogenic. Last evaluated: 2025-04-28. Review status: criteria provided, single submitter. Criteria: Invitae Variant Classification Sherloc (09022015). Collection method: clinical testing. Allele origin: germline.
Comment: This sequence change creates a premature translational stop signal (p.Gln383Thrfs*6) in the USH1C gene. It is expected to result in an absent or disrupted protein product. Loss-of-function variants in USH1C are known to be pathogenic (PMID: 10973247, 17407589, 20301442, 21203349). This variant is not present in population databases (gnomAD no frequency). This premature translational stop signal has been observed in individual(s) with Usher syndrome type 1C (PMID: 27957503). ClinVar contains an entry for this variant (Variation ID: 555436). Algorithms developed to predict the effect of sequence changes on RNA splicing suggest that this variant may disrupt the consensus splice site. For these reasons, this variant has been classified as Pathogenic.

GeneDx
Classification: Pathogenic. Last evaluated: 2025-01-15. Review status: criteria provided, single submitter. Criteria: GeneDx Variant Classification Process June 2021. Collection method: clinical testing. Allele origin: germline. Affected: yes.
Comment: Frameshift variant predicted to result in protein truncation or nonsense mediated decay in a gene for which loss-of-function is a known mechanism of disease; Not observed at significant frequency in large population cohorts (gnomAD); This variant is associated with the following publications: (PMID: 27957503)

Baylor Genetics
Classification: Pathogenic for Autosomal recessive nonsyndromic hearing loss 18A. Last evaluated: 2023-03-05. Review status: criteria provided, single submitter. Criteria: ACMG Guidelines, 2015. Collection method: clinical testing. Allele origin: unknown.

Blueprint Genetics
Classification: Likely pathogenic for USH1C-related disorders. Last evaluated: 2022-11-18. Review status: criteria provided, single submitter. Criteria: ACMG Guidelines, 2015. Collection method: clinical testing. Allele origin: germline. Affected: yes. Observed: 2 variant alleles.

Counsyl
Classification: Likely pathogenic for Usher syndrome type 1C; Autosomal recessive nonsyndromic hearing loss 18A. Last evaluated: 2017-12-05. Review status: no assertion criteria provided. Collection method: clinical testing. Allele origin: unknown. Not counted in ClinVar's aggregate classification.

Literature cited by the submitters: PubMed 10973247 (cited by Labcorp Genetics (formerly Invitae), Labcorp); PubMed 17407589 (cited by Labcorp Genetics (formerly Invitae), Labcorp); PubMed 20301442 (cited by Labcorp Genetics (formerly Invitae), Labcorp); PubMed 21203349 (cited by Labcorp Genetics (formerly Invitae), Labcorp); PubMed 27957503 (cited by Labcorp Genetics (formerly Invitae), Labcorp and Counsyl).